The following is an entry in ClinVar:

NM_003545.4(H4C5):c.158_159del (p.Glu53fs)

Gene: H4C5 (H4 clustered histone 5; plus strand). Cytogenetic location: 6p22.2.
Variant type: Deletion.
Coding change: c.158_159del on transcript NM_003545.4 (MANE Select); coding-DNA positions 158 to 159, 2 bases deleted (AG; older notation c.158_159delAG).
Protein change: p.Glu53fs; shifts the reading frame from glutamic acid 53.
Molecular consequence: frameshift variant.
Genome position (GRCh38, 1-based): chr6:26,204,802-26,204,803, AG deleted; deleting any 2 consecutive bases within chr6:26,204,801-26,204,803 gives the same sequence; the c. name uses the placement nearest the transcript's 3' end. VCF-style (leftmost placement, unchanged base first): chr6-26204800-CGA-C. GRCh37 (hg19) VCF-style: chr6-26205028-CGA-C.
Other names: short protein forms E53fs.
Identifiers: ClinVar variation 2431938 (VCV002431938.2), dbSNP rs1269506634, ClinGen allele CA823436961.

ClinVar aggregate classification (germline): Uncertain significance (1 of 4 stars; one submission).

Conditions:
Tessadori-Van Haaften neurodevelopmental syndrome 3 (TEBIVANED3). Identifiers: MedGen C5774310, MONDO:0030993, OMIM 619950.

Submission:

Laboratorio de Genetica e Diagnostico Molecular, Hospital Israelita Albert Einstein
Classification: Uncertain significance for Tessadori-Van Haaften neurodevelopmental syndrome 3. Last evaluated: 2022-12-14. Review status: criteria provided, single submitter. Criteria: ACMG Guidelines, 2015. Collection method: clinical testing. Allele origin: germline. Affected: yes.
Comment: ACMG classification criteria: PM2 moderated